The following is an entry in ClinVar:

NM_000503.6(EYA1):c.1558_1575del (p.Val520_Asn525del)

Gene: EYA1 (EYA transcriptional coactivator and phosphatase 1; minus strand). Cytogenetic location: 8q13.3.
Variant type: Deletion.
Coding change: c.1558_1575del on transcript NM_000503.6 (MANE Select); coding-DNA positions 1558 to 1575, 18 bases deleted (GTATTTCCAATAGAAAAT).
Protein change: p.Val520_Asn525del.
Molecular consequence: inframe deletion.
Genome position (GRCh38, 1-based): chr8:71,215,409-71,215,426, ATTTTCTATTGGAAATAC deleted on the plus strand (GTATTTCCAATAGAAAAT on the coding strand, the reverse complement: EYA1 is on the minus strand); deleting any 18 consecutive bases within chr8:71,215,409-71,215,427 gives the same sequence; the c. name uses the placement nearest the transcript's 3' end. VCF-style (leftmost placement, unchanged base first): chr8-71215408-TATTTTCTATTGGAAATAC-T. GRCh37 (hg19) VCF-style: chr8-72127643-TATTTTCTATTGGAAATAC-T.
Other names: c.1558_1575del, p.Val520_Asn525del (NM_001370335.1, NM_172058.4, NM_001370334.1); c.1537_1554del, p.Val513_Asn518del (NM_001370336.1); c.1459_1476del, p.Val487_Asn492del (NM_001411797.1, NM_172060.4); c.1540_1557del, p.Val514_Asn519del (NM_172059.5, NM_001288574.2); c.1192_1209del, p.Val398_Asn403del (NM_001288575.2); c.1645_1662del, p.Val549_Asn554del (NM_001370333.1).
Identifiers: ClinVar variation 4852121 (VCV004852121.2).

ClinVar aggregate classification (germline): Uncertain significance (1 of 4 stars; one submission).

Conditions:
Branchiootic syndrome 1 (BOS1). Also called: BO SYNDROME 1; BRANCHIOOTIC DYSPLASIA. Identifiers: MedGen C1865143, MONDO:0011258, OMIM 602588.

Submission:

Laboratory of Molecular, Cellular and Translation Genetics in Otolaryngology/ Lim32-hcfmusp, University of Sao Paulo School of Medicine Clinics Hospital
Classification: Uncertain significance for Branchiootic syndrome 1. Last evaluated: 2026-04-30. Review status: criteria provided, single submitter. Criteria: ACMG Guidelines, 2015. Collection method: research. Allele origin: germline. Affected: yes.
Comment: NM_000503.6:c.1558_1575del:p.(Val520_Asn525del). This variant has been classified as a variant of uncertain significance (VUS). It is absent from population databases (PM2) and results in an in-frame deletion leading to a change in protein length in a non-repeat region (PM4). However, despite the strong phenotypic correlation, the available evidence is insufficient to establish a definitive causal role for this variant in the proband as described in PMID: 42233699.

Literature cited by the submitters: PubMed 42233699.